The following is an entry in ClinVar:

NM_001174150.2(ARL13B):c.1033A>G (p.Lys345Glu)

Gene: ARL13B (ARF like GTPase 13B; plus strand). Cytogenetic location: 3q11.2.
Variant type: single nucleotide variant.
Coding change: c.1033A>G on transcript NM_001174150.2 (MANE Select); coding-DNA position 1033, A replaced by G.
Protein change: p.Lys345Glu; replaces lysine 345 with glutamic acid.
Molecular consequence: missense variant. On other transcripts: non-coding transcript variant (2).
Genome position (GRCh38, 1-based): chr3:94,049,414, A>G. VCF-style: chr3-94049414-A-G. GRCh37 (hg19) VCF-style: chr3-93768258-A-G.
Other names: c.724A>G, p.Lys242Glu (NM_001174151.2); c.988A>G, p.Lys330Glu (NM_001321328.2); c.712A>G, p.Lys238Glu (NM_144996.4); c.1033A>G, p.Lys345Glu (NM_182896.3); short protein forms K238E, K242E, K345E, K330E.
Identifiers: ClinVar variation 1489468 (VCV001489468.8), dbSNP rs2107191077, ClinGen allele CA353679351.

ClinVar aggregate classification (germline): Uncertain significance (1 of 4 stars; one submission).

Conditions:
Joubert syndrome 8 (JBTS8). Identifiers: Orphanet 475, MedGen C2676771, MONDO:0012855, OMIM 612291.

Allele frequency attached by ClinVar (database versions not stated): gnomAD exomes below 0.00001.
gnomAD v4.1: 3 of 1,592,560 alleles (0.00019%); highest among the groups gnomAD compares: Non-Finnish European, 0.00026%; no homozygotes.

Submission:

Labcorp Genetics (formerly Invitae), Labcorp
Classification: Uncertain significance for Joubert syndrome 8. Last evaluated: 2021-04-20. Review status: criteria provided, single submitter. Criteria: Invitae Variant Classification Sherloc (09022015). Collection method: clinical testing. Allele origin: germline.
Comment: In summary, the available evidence is currently insufficient to determine the role of this variant in disease. Therefore, it has been classified as a Variant of Uncertain Significance. Algorithms developed to predict the effect of missense changes on protein structure and function (SIFT, PolyPhen-2, Align-GVGD) all suggest that this variant is likely to be tolerated, but these predictions have not been confirmed by published functional studies and their clinical significance is uncertain. This variant has not been reported in the literature in individuals with ARL13B-related conditions. This variant is not present in population databases (ExAC no frequency). This sequence change replaces lysine with glutamic acid at codon 345 of the ARL13B protein (p.Lys345Glu). The lysine residue is moderately conserved and there is a small physicochemical difference between lysine and glutamic acid.